The following is an entry in ClinVar:

NM_182760.4(SUMF1):c.445-2A>G

Gene: SUMF1 (sulfatase modifying factor 1; minus strand). Cytogenetic location: 3p26.1.
Variant type: single nucleotide variant.
Coding change: c.445-2A>G on transcript NM_182760.4 (MANE Select); the canonical splice acceptor site of the intron before coding-DNA position 445, A replaced by G.
Molecular consequence: splice acceptor variant. On other transcripts: intron variant (1).
Genome position (GRCh38, 1-based): chr3:4,449,342, T>C on the plus strand (A>G on the coding strand, the complement: SUMF1 is on the minus strand). VCF-style: chr3-4449342-T-C. GRCh37 (hg19) VCF-style: chr3-4491026-T-C.
Other names: c.444+3534A>G (NM_001164674.2); c.445-2A>G (NM_001164675.2).
Identifiers: ClinVar variation 1323659 (VCV001323659.7), dbSNP rs1293658639, ClinGen allele CA351793056.

ClinVar aggregate classification (germline): Pathogenic/Likely pathogenic. Review status: criteria provided, multiple submitters, no conflicts (2 of 4 stars). 2 submissions from 2 submitters: Pathogenic (1); Likely pathogenic (1). Last evaluated 2023-11-07.

Conditions:
Multiple sulfatase deficiency (MSD). Also called: Mucosulfatidosis; Multiple Sulfatase Deficiency Disease; Sulfatidosis, Juvenile, Austin Type. Identifiers: Orphanet 585, MedGen C0268263, MONDO:0010088, OMIM 272200.

Allele frequency attached by ClinVar (database versions not stated): gnomAD exomes below 0.00001 and 0.00001.
gnomAD v4.1: 2 of 1,614,134 alleles (0.00012%); highest among the groups gnomAD compares: Admixed American, 0.0033%; no homozygotes.

Submissions (2):

Labcorp Genetics (formerly Invitae), Labcorp
Classification: Likely pathogenic for Multiple sulfatase deficiency. Last evaluated: 2023-11-07. Review status: criteria provided, single submitter. Criteria: Invitae Variant Classification Sherloc (09022015). Collection method: clinical testing. Allele origin: germline.
Comment: This sequence change affects an acceptor splice site in intron 2 of the SUMF1 gene. It is expected to disrupt RNA splicing. Variants that disrupt the donor or acceptor splice site typically lead to a loss of protein function (PMID: 16199547), and loss-of-function variants in SUMF1 are known to be pathogenic (PMID: 12757705, 12757706, 25885655). This variant is present in population databases (no rsID available, gnomAD 0.006%). This variant has not been reported in the literature in individuals affected with SUMF1-related conditions. ClinVar contains an entry for this variant (Variation ID: 1323659). Algorithms developed to predict the effect of sequence changes on RNA splicing suggest that this variant may disrupt the consensus splice site. In summary, the currently available evidence indicates that the variant is pathogenic, but additional data are needed to prove that conclusively. Therefore, this variant has been classified as Likely Pathogenic.

Revvity Omics, Revvity
Classification: Pathogenic for Multiple sulfatase deficiency. Last evaluated: 2020-11-09. Review status: criteria provided, single submitter. Criteria: ACMG Guidelines, 2015. Collection method: clinical testing. Allele origin: germline.

Literature cited by the submitters: PubMed 16199547 (cited by Labcorp Genetics (formerly Invitae), Labcorp); PubMed 12757705 (cited by Labcorp Genetics (formerly Invitae), Labcorp); PubMed 12757706 (cited by Labcorp Genetics (formerly Invitae), Labcorp); PubMed 25885655 (cited by Labcorp Genetics (formerly Invitae), Labcorp).